The following is an entry in ClinVar:

NM_020549.5(CHAT):c.1511+5G>A

Gene: CHAT (choline O-acetyltransferase; plus strand). Cytogenetic location: 10q11.23.
Variant type: single nucleotide variant.
Coding change: c.1511+5G>A on transcript NM_020549.5 (MANE Select); 5 bases into the intron after coding-DNA position 1511, G replaced by A.
Molecular consequence: intron variant.
Genome position (GRCh38, 1-based): chr10:49,649,641, G>A. VCF-style: chr10-49649641-G-A. GRCh37 (hg19) VCF-style: chr10-50857687-G-A.
Other names: c.1157+5G>A (NM_020984.4, NM_020985.4, NM_020986.4 and 2 more transcripts); c.1265+5G>A (NM_001142933.2).
Identifiers: ClinVar variation 530659 (VCV000530659.8), dbSNP rs371888779, ClinGen allele CA5497526.
Genomic context (GRCh38, chr10:49,649,641, plus strand): 5'-AAATGCTCCCCGGAAATTCAAGGCCACTTAGCCTCCTCGGCAGAAAAACTTCAACGGTAA[G>A]GATAACCGAAGTCTCCTTTGAGGGGTCCCCTAGGGACCACCCCGCCCTTGCCTACTAGCT-3'

ClinVar aggregate classification (germline): Uncertain significance. Review status: criteria provided, multiple submitters, no conflicts (2 of 4 stars). 2 submissions from 2 submitters: Uncertain significance (2). Last evaluated 2024-03-11.

Conditions:
Familial infantile myasthenia (CMS6). Also called: MYASTHENIC SYNDROME, PRESYNAPTIC, CONGENITAL, ASSOCIATED WITH EPISODIC APNEA; MYASTHENIC SYNDROME, CONGENITAL, 6, PRESYNAPTIC; Congenital myasthenic syndrome type 6. Identifiers: Orphanet 590, MedGen C0393929, MONDO:0009689, OMIM 254210.

Allele frequency attached by ClinVar (database versions not stated): TOPMed 0.00007; ESP Exome Variant Server 0.00008; gnomAD 0.00009; gnomAD exomes 0.00010; ExAC 0.00011.
gnomAD v4.1: 178 of 1,613,578 alleles (0.011%); highest among the groups gnomAD compares: Non-Finnish European, 0.014%; 1 homozygote.

Submissions (2):

Women's Health and Genetics/Laboratory Corporation of America, LabCorp
Classification: Uncertain significance. Last evaluated: 2024-03-11. Review status: criteria provided, single submitter. Criteria: LabCorp Variant Classification Summary - May 2015. Collection method: clinical testing. Allele origin: germline.

Labcorp Genetics (formerly Invitae), Labcorp
Classification: Uncertain significance for Familial infantile myasthenia. Last evaluated: 2022-10-05. Review status: criteria provided, single submitter. Criteria: Invitae Variant Classification Sherloc (09022015). Collection method: clinical testing. Allele origin: germline.
Comment: This sequence change falls in intron 10 of the CHAT gene. It does not directly change the encoded amino acid sequence of the CHAT protein. It affects a nucleotide within the consensus splice site. This variant is present in population databases (rs371888779, gnomAD 0.02%). This variant has not been reported in the literature in individuals affected with CHAT-related conditions. ClinVar contains an entry for this variant (Variation ID: 530659). Variants that disrupt the consensus splice site are a relatively common cause of aberrant splicing (PMID: 17576681, 9536098). Algorithms developed to predict the effect of sequence changes on RNA splicing suggest that this variant is not likely to affect RNA splicing. In summary, the available evidence is currently insufficient to determine the role of this variant in disease. Therefore, it has been classified as a Variant of Uncertain Significance.

Literature cited by the submitters: PubMed 17576681 (cited by Labcorp Genetics (formerly Invitae), Labcorp); PubMed 9536098 (cited by Labcorp Genetics (formerly Invitae), Labcorp).